The following is an entry in ClinVar:

ClinVar aggregate classification (germline): Likely benign (0 of 4 stars; one submission).

Conditions:
TBC1D31-related disorder. Also called: TBC1D31-related condition.

Allele frequency attached by ClinVar (database versions not stated): gnomAD exomes 0.00008; ExAC 0.00025; gnomAD 0.00107; ESP Exome Variant Server 0.00108; TOPMed 0.00110.
gnomAD v4.1: 278 of 1,613,822 alleles (0.017%); highest among the groups gnomAD compares: African/African-American, 0.34%; no homozygotes.

Submission:

PreventionGenetics, part of Exact Sciences
Classification: Likely benign for TBC1D31-related condition. Last evaluated: 2022-07-25. Review status: no assertion criteria provided. Collection method: clinical testing. Allele origin: germline.
Comment: This variant is classified as likely benign based on ACMG/AMP sequence variant interpretation guidelines (Richards et al. 2015 PMID: 25741868, with internal and published modifications).

NM_145647.4(TBC1D31):c.1372G>A (p.Ala458Thr)

Gene: TBC1D31 (TBC1 domain family member 31; plus strand). Cytogenetic location: 8q24.13.
Variant type: single nucleotide variant.
Coding change: c.1372G>A on transcript NM_145647.4 (MANE Select); coding-DNA position 1372, G replaced by A.
Protein change: p.Ala458Thr; replaces alanine 458 with threonine.
Molecular consequence: missense variant. On other transcripts: nonsense (1).
Genome position (GRCh38, 1-based): chr8:123,109,556, G>A. VCF-style: chr8-123109556-G-A. GRCh37 (hg19) VCF-style: chr8-124121796-G-A.
Other names: c.1372G>A, p.Ala458Thr (NM_001145088.2, NM_001363148.1, NM_001363150.1 and 2 more transcripts); c.1057G>A, p.Ala353Thr (NM_001330606.2, NM_001363152.1, NM_001363154.1 and 1 more transcripts); c.1342G>A, p.Ala448Thr (NM_001363149.1); c.6G>A, p.Trp2Ter (NM_001363156.1); short protein forms A353T, A448T, A458T, W2*.
Identifiers: ClinVar variation 3047261 (VCV003047261.2), dbSNP rs61729926, ClinGen allele CA4863274.
Genomic context (GRCh38, chr8:123,109,556, plus strand): 5'-CTACAACTGCCTGAAAATCATACTGCGTTTAGTACCCTCATAGATAAGGGGACTCATGTG[G>A]CATTTCTCAACCTTCAGAAGAAATACCCCATCAAAAGTAGGAAGCTACTCAGAGTATTAC-3'
Protein context (NP_663622.2, residues 448-468): STLIDKGTHV[Ala458Thr]FLNLQKKYPI